The following is an entry in ClinVar:

ClinVar aggregate classification (germline): Uncertain significance (1 of 4 stars; one submission).

Conditions:
Arrhythmogenic right ventricular dysplasia 10. Also called: Arrhythmogenic Right Ventricular Dysplasia/Cardiomyopathy10; ARRHYTHMOGENIC RIGHT VENTRICULAR DYSPLASIA, FAMILIAL, 10; Arrhythmogenic right ventricular dysplasia/cardiomyopathy, type 10. Identifiers: MedGen C1857777, MONDO:0012434, OMIM 610193.

Allele frequency attached by ClinVar (database versions not stated): gnomAD exomes below 0.00001.
gnomAD v4.1: 1 of 1,613,792 alleles (0.000062%); highest among the groups gnomAD compares: Non-Finnish European, 0.000085%; no homozygotes.

Submission:

Labcorp Genetics (formerly Invitae), Labcorp
Classification: Uncertain significance for Arrhythmogenic right ventricular dysplasia 10. Last evaluated: 2024-10-29. Review status: criteria provided, single submitter. Criteria: Invitae Variant Classification Sherloc (09022015). Collection method: clinical testing. Allele origin: germline.
Comment: This sequence change replaces valine, which is neutral and non-polar, with alanine, which is neutral and non-polar, at codon 163 of the DSG2 protein (p.Val163Ala). This variant is not present in population databases (gnomAD no frequency). This variant has not been reported in the literature in individuals affected with DSG2-related conditions. Invitae Evidence Modeling of protein sequence and biophysical properties (such as structural, functional, and spatial information, amino acid conservation, physicochemical variation, residue mobility, and thermodynamic stability) has been performed for this missense variant. However, the output from this modeling did not meet the statistical confidence thresholds required to predict the impact of this variant on DSG2 protein function. In summary, the available evidence is currently insufficient to determine the role of this variant in disease. Therefore, it has been classified as a Variant of Uncertain Significance.

NM_001943.5(DSG2):c.488T>C (p.Val163Ala)

Gene: DSG2 (desmoglein 2; plus strand). Cytogenetic location: 18q12.1.
Variant type: single nucleotide variant.
Coding change: c.488T>C on transcript NM_001943.5 (MANE Select); coding-DNA position 488, T replaced by C.
Protein change: p.Val163Ala; replaces valine 163 with alanine.
Molecular consequence: missense variant.
Genome position (GRCh38, 1-based): chr18:31,521,208, T>C. VCF-style: chr18-31521208-T-C. GRCh37 (hg19) VCF-style: chr18-29101171-T-C.
Other names: short protein forms V163A.
Identifiers: ClinVar variation 2842495 (VCV002842495.3), dbSNP rs2510911150, ClinGen allele CA402132357.
Genomic context (GRCh38, chr18:31,521,208, plus strand): 5'-TAGAGCTACGCATTAAGGTTCTTGATATCAATGACAACGAACCAGTGTTCACACAGGATG[T>C]CTTTGTTGGGTCTGTTGAAGAGTTGAGTGCAGCACGTAAGAGTCTTTTTTTTTTTTTTTA-3'
Protein context (NP_001934.2, residues 153-173): NDNEPVFTQD[Val163Ala]FVGSVEELSA